The following is an entry in ClinVar:

ClinVar aggregate classification (germline): Pathogenic (1 of 4 stars; one submission).

Conditions:
Infantile neuroaxonal dystrophy (NBIA2A). Also called: NEURODEGENERATION WITH BRAIN IRON ACCUMULATION 2A; SEITELBERGER DISEASE; Infantile neuroaxonal dystrophy 1. Identifiers: Orphanet 35069, MedGen C0270724, MONDO:0024457, OMIM 256600.

Submission:

Labcorp Genetics (formerly Invitae), Labcorp
Classification: Pathogenic for Infantile neuroaxonal dystrophy. Last evaluated: 2023-12-13. Review status: criteria provided, single submitter. Criteria: Invitae Variant Classification Sherloc (09022015). Collection method: clinical testing. Allele origin: germline.
Comment: This sequence change creates a premature translational stop signal (p.Ala268Valfs*4) in the PLA2G6 gene. It is expected to result in an absent or disrupted protein product. Loss-of-function variants in PLA2G6 are known to be pathogenic (PMID: 16783378, 18570303, 18799783, 22213678). This variant is not present in population databases (gnomAD no frequency). This variant has not been reported in the literature in individuals affected with PLA2G6-related conditions. For these reasons, this variant has been classified as Pathogenic.

Literature cited by the submitters: PubMed 16783378; PubMed 18570303; PubMed 18799783; PubMed 22213678.

NM_003560.4(PLA2G6):c.801_802dup (p.Ala268fs)

Gene: PLA2G6 (phospholipase A2 group VI; minus strand). Cytogenetic location: 22q13.1.
Variant type: Microsatellite.
Coding change: c.801_802dup on transcript NM_003560.4 (MANE Select); coding-DNA positions 801 to 802, 2 bases duplicated (TG; older notation c.801_802dupTG).
Protein change: p.Ala268fs; shifts the reading frame from alanine 268.
Molecular consequence: frameshift variant.
Genome position (GRCh38, 1-based): chr22:38,135,080-38,135,081, CA duplicated on the plus strand (TG on the coding strand, the reverse complement: PLA2G6 is on the minus strand); duplicating any 2 consecutive bases within chr22:38,135,080-38,135,084 gives the same sequence; the c. name uses the placement nearest the transcript's 3' end. VCF-style (leftmost placement, unchanged base first): chr22-38135079-G-GCA. GRCh37 (hg19) VCF-style: chr22-38531086-G-GCA.
Other names: c.801_802dup, p.Ala268fs (NM_001004426.3, NM_001199562.3, NM_001349864.2 and 2 more transcripts); c.267_268dup, p.Ala90fs (NM_001349867.2, NM_001349869.2); c.123_124dup, p.Ala42fs (NM_001349868.2); short protein forms A42fs, A90fs, A268fs.
Identifiers: ClinVar variation 3001891 (VCV003001891.3), dbSNP rs2518020258, ClinGen allele CA2740094831.
Genomic context (GRCh38, chr22:38,135,079, plus strand): 5'-GCTCCGTAACGGGGGTCTTTGCTGTGGATCTGGCTGCTGTCCATGCTGATGATCATCTCC[G>GCA]CACACCTGGTGAGAGAGGGGCCCCGGTTGGTGAGCAGAAGCTAGGGTCTGCGTGGCGTGG-3'